The following is an entry in ClinVar:

NM_001042492.3(NF1):c.253A>G (p.Ile85Val)

Gene: NF1 (neurofibromin 1; plus strand). Cytogenetic location: 17q11.2.
Variant type: single nucleotide variant.
Coding change: c.253A>G on transcript NM_001042492.3 (MANE Select); coding-DNA position 253, A replaced by G.
Protein change: p.Ile85Val; replaces isoleucine 85 with valine.
Molecular consequence: missense variant.
Genome position (GRCh38, 1-based): chr17:31,159,058, A>G. VCF-style: chr17-31159058-A-G. GRCh37 (hg19) VCF-style: chr17-29486076-A-G.
Other names: c.253A>G, p.Ile85Val (NM_000267.4, NM_001128147.3); short protein forms I85V.
Identifiers: ClinVar variation 4800697 (VCV004800697.1).

ClinVar aggregate classification (germline): Uncertain significance (1 of 4 stars; one submission).

Conditions:
Neurofibromatosis, type 1 (NF1). Also called: VON RECKLINGHAUSEN DISEASE; Neurofibromatosis, type I; NEUROFIBROMATOSIS, TYPE I, SOMATIC; Peripheral type neurofibromatosis. Identifiers: Orphanet 636, MedGen C0027831, MONDO:0018975, OMIM 162200. Disease mechanism: loss of function.

Submission:

Labcorp Genetics (formerly Invitae), Labcorp
Classification: Uncertain significance for Neurofibromatosis, type 1. Last evaluated: 2025-04-27. Review status: criteria provided, single submitter. Criteria: Invitae Variant Classification Sherloc (09022015). Collection method: clinical testing. Allele origin: germline.
Comment: This sequence change replaces isoleucine, which is neutral and non-polar, with valine, which is neutral and non-polar, at codon 85 of the NF1 protein (p.Ile85Val). This variant is not present in population databases (gnomAD no frequency). This variant has not been reported in the literature in individuals affected with NF1-related conditions. Invitae Evidence Modeling of protein sequence and biophysical properties (such as structural, functional, and spatial information, amino acid conservation, physicochemical variation, residue mobility, and thermodynamic stability) has been performed for this missense variant. However, the output from this modeling did not meet the statistical confidence thresholds required to predict the impact of this variant on NF1 protein function. In summary, the available evidence is currently insufficient to determine the role of this variant in disease. Therefore, it has been classified as a Variant of Uncertain Significance.